The following is an entry in ClinVar:

NM_016335.6(PRODH):c.925T>C (p.Ser309Pro)

Gene: PRODH (proline dehydrogenase 1; minus strand). Cytogenetic location: 22q11.21.
Variant type: single nucleotide variant.
Coding change: c.925T>C on transcript NM_016335.6 (MANE Select); coding-DNA position 925, T replaced by C.
Protein change: p.Ser309Pro; replaces serine 309 with proline.
Molecular consequence: missense variant.
Genome position (GRCh38, 1-based): chr22:18,922,329, A>G on the plus strand (T>C on the coding strand, the complement: PRODH is on the minus strand). VCF-style: chr22-18922329-A-G. GRCh37 (hg19) VCF-style: chr22-18909842-A-G.
Other names: c.601T>C, p.Ser201Pro (NM_001195226.2, NM_001368250.2); short protein forms S201P, S309P.
Identifiers: ClinVar variation 2113421 (VCV002113421.4), dbSNP rs2517453752, ClinGen allele CA410646730.
Genomic context (GRCh38, chr22:18,922,329, plus strand): 5'-CTTGGCTGGAACCATGGCTGATGCTCGTGTCCTCTCAGCCTGGGGGCTGCTCTCACCCAG[A>G]CACTCCCAGGGTCTCTGCCGTGAACCAGTCCTCAATCTCAGCCCTGGATGCGATGCCCAA-3'
Protein context (NP_057419.5, residues 299-319): DWFTAETLGV[Ser309Pro]GTMDLLDWSS

ClinVar aggregate classification (germline): Uncertain significance (1 of 4 stars; one submission).

Conditions:
Proline dehydrogenase deficiency (HYRPRO1). Also called: PROLINE OXIDASE DEFICIENCY; Hyperprolinemia type 1. Identifiers: Orphanet 419, MedGen C0268529, MONDO:0009400, OMIM 239500.

Submission:

Labcorp Genetics (formerly Invitae), Labcorp
Classification: Uncertain significance for Proline dehydrogenase deficiency. Last evaluated: 2024-10-22. Review status: criteria provided, single submitter. Criteria: Invitae Variant Classification Sherloc (09022015). Collection method: clinical testing. Allele origin: germline.
Comment: This sequence change replaces serine, which is neutral and polar, with proline, which is neutral and non-polar, at codon 309 of the PRODH protein (p.Ser309Pro). This variant is not present in population databases (gnomAD no frequency). This variant has not been reported in the literature in individuals affected with PRODH-related conditions. ClinVar contains an entry for this variant (Variation ID: 2113421). Invitae Evidence Modeling of protein sequence and biophysical properties (such as structural, functional, and spatial information, amino acid conservation, physicochemical variation, residue mobility, and thermodynamic stability) indicates that this missense variant is not expected to disrupt PRODH protein function with a negative predictive value of 80%. In summary, the available evidence is currently insufficient to determine the role of this variant in disease. Therefore, it has been classified as a Variant of Uncertain Significance.